The following is an entry in ClinVar:

ClinVar aggregate classification (germline): Conflicting classifications of pathogenicity. Review status: criteria provided, conflicting classifications (1 of 4 stars). 5 submissions from 5 submitters: Uncertain significance (1); Benign (1); Likely benign (3). Last evaluated 2026-04-20.

Conditions:
DICER1-related tumor predisposition. Also called: DICER1 syndrome; DICER1-related pleuropulmonary blastoma cancer predisposition syndrome. Identifiers: Orphanet 284343, MedGen C3839822, MONDO:0100216.
Hereditary cancer-predisposing syndrome. Also called: Hereditary neoplastic syndrome; Hereditary Cancer Syndrome; Neoplastic Syndromes, Hereditary; Tumor predisposition. Identifiers: Orphanet 140162, MedGen C0027672, MeSH D009386, MONDO:0015356.

Allele frequency attached by ClinVar (database versions not stated): gnomAD 0.00001; gnomAD exomes 0.00001; TOPMed 0.00001.
gnomAD v4.1: 20 of 1,614,056 alleles (0.0012%); highest among the groups gnomAD compares: Non-Finnish European, 0.0017%; no homozygotes.

Submissions (5):

Myriad Genetics, Inc.
Classification: Benign for DICER1-related tumor predisposition. Last evaluated: 2026-04-20. Review status: criteria provided, single submitter. Criteria: Myriad Autosomal Dominant, Autosomal Recessive and X-Linked Classification Criteria (2023). Collection method: clinical testing. Allele origin: unknown.
Comment: This variant is considered benign. This variant is a silent/synonymous amino acid change and it is not expected to impact splicing.

Labcorp Genetics (formerly Invitae), Labcorp
Classification: Likely benign for DICER1-related tumor predisposition. Last evaluated: 2025-10-22. Review status: criteria provided, single submitter. Criteria: Invitae Variant Classification Sherloc (09022015). Collection method: clinical testing. Allele origin: germline.

Hereditary Cancer Group, L’Institut d'Investigació Biomèdica de Bellvitge
Classification: Likely benign for Hereditary cancer-predisposing syndrome. Last evaluated: 2024-12-19. Review status: criteria provided, single submitter. Criteria: Hatton et al. (Hum Mutat. 2023). Collection method: clinical testing. Allele origin: germline. Inheritance: Autosomal dominant inheritance. Affected: yes.
Comment: BP4, BP7

Ambry Genetics
Classification: Likely benign for Hereditary cancer-predisposing syndrome. Last evaluated: 2021-01-16. Review status: criteria provided, single submitter. Criteria: Ambry Variant Classification Scheme 2023. Collection method: clinical testing. Allele origin: germline.

Illumina Laboratory Services, Illumina
Classification: Uncertain significance for Pleuropulmonary blastoma. Last evaluated: 2018-01-13. Review status: criteria provided, single submitter. Criteria: ICSL Variant Classification Criteria 13 December 2019. Collection method: clinical testing. Allele origin: germline.

NM_177438.3(DICER1):c.5010A>G (p.Glu1670=)

Gene: DICER1 (dicer 1, ribonuclease III; minus strand). Cytogenetic location: 14q32.13.
Variant type: single nucleotide variant.
Coding change: c.5010A>G on transcript NM_177438.3 (MANE Select); coding-DNA position 5010, A replaced by G.
Protein change: p.Glu1670=; no amino-acid change (glutamic acid 1670 retained).
Molecular consequence: synonymous variant.
Genome position (GRCh38, 1-based): chr14:95,095,910, T>C on the plus strand (A>G on the coding strand, the complement: DICER1 is on the minus strand). VCF-style: chr14-95095910-T-C. GRCh37 (hg19) VCF-style: chr14-95562247-T-C.
Other names: c.5010A>G, p.Glu1670= (NM_001195573.1, NM_001271282.3, NM_001291628.2 and 1 more transcripts).
Identifiers: ClinVar variation 315101 (VCV000315101.14), dbSNP rs886050940, ClinGen allele CA10635630.
Genomic context (GRCh38, chr14:95,095,910, plus strand): 5'-GGCATGTGTAAAAGCCTGGAGAAGGTAAGCCTTATTCTTGAATCTGTAGTTGATTTTCTT[T>C]TCAAAATTTTCAAACCCCGATATAAGGTGATTCAGTGTTTTATCTGCATCTGGATGATCA-3'
Protein context (NP_803187.1, residues 1660-1680): NHLISGFENF[Glu1670=]KKINYRFKNK